The following is an entry in ClinVar:

NM_030665.4(RAI1):c.698C>T (p.Ala233Val)

Gene: RAI1 (retinoic acid induced 1; plus strand). Cytogenetic location: 17p11.2.
Variant type: single nucleotide variant.
Coding change: c.698C>T on transcript NM_030665.4 (MANE Select); coding-DNA position 698, C replaced by T.
Protein change: p.Ala233Val; replaces alanine 233 with valine.
Molecular consequence: missense variant.
Genome position (GRCh38, 1-based): chr17:17,793,646, C>T. VCF-style: chr17-17793646-C-T. GRCh37 (hg19) VCF-style: chr17-17696960-C-T.
Other names: short protein forms A233V.
Identifiers: ClinVar variation 3345662 (VCV003345662.1).

ClinVar aggregate classification (germline): Uncertain significance (0 of 4 stars; one submission).

Conditions:
RAI1-related disorder. Also called: RAI1-related condition.

Submission:

PreventionGenetics, part of Exact Sciences
Classification: Uncertain significance for RAI1-related condition. Last evaluated: 2024-05-15. Review status: no assertion criteria provided. Collection method: clinical testing. Allele origin: germline.
Comment: The RAI1 c.698C>T variant is predicted to result in the amino acid substitution p.Ala233Val. To our knowledge, this variant has not been reported in the literature or in a large population database, indicating this variant is rare. At this time, the clinical significance of this variant is uncertain due to the absence of conclusive functional and genetic evidence.